The following is an entry in ClinVar:

NM_014845.6(FIG4):c.183A>G (p.Gln61=)

Gene: FIG4 (FIG4 phosphoinositide 5-phosphatase; plus strand). Cytogenetic location: 6q21.
Variant type: single nucleotide variant.
Coding change: c.183A>G on transcript NM_014845.6 (MANE Select); coding-DNA position 183, A replaced by G.
Protein change: p.Gln61=; no amino-acid change (glutamine 61 retained).
Molecular consequence: synonymous variant.
Genome position (GRCh38, 1-based): chr6:109,716,462, A>G. VCF-style: chr6-109716462-A-G. GRCh37 (hg19) VCF-style: chr6-110037665-A-G.
Identifiers: ClinVar variation 860820 (VCV000860820.9), dbSNP rs1775433473, ClinGen allele CA451754460.

ClinVar aggregate classification (germline): Uncertain significance (1 of 4 stars; one submission).

Conditions:
Charcot-Marie-Tooth disease type 4. Also called: Charcot-Marie-Tooth disease, type IV; Charcot-Marie-Tooth, Type 4. Identifiers: Orphanet 64749, MedGen C4082197, MONDO:0018995.

gnomAD v4.1: 1 of 1,613,876 alleles (0.000062%); no homozygotes.

Submission:

Labcorp Genetics (formerly Invitae), Labcorp
Classification: Uncertain significance for Charcot-Marie-Tooth disease type 4. Last evaluated: 2019-05-07. Review status: criteria provided, single submitter. Criteria: Invitae Variant Classification Sherloc (09022015). Collection method: clinical testing. Allele origin: germline.
Comment: This sequence change affects codon 61 of the FIG4 mRNA. It is a 'silent' change, meaning that it does not change the encoded amino acid sequence of the FIG4 protein. This variant is not present in population databases (ExAC no frequency). This variant has not been reported in the literature in individuals with FIG4-related conditions. Algorithms developed to predict the effect of sequence changes on RNA splicing suggest that this variant may create or strengthen a splice site, but this prediction has not been confirmed by published transcriptional studies. In summary, the available evidence is currently insufficient to determine the role of this variant in disease. Therefore, it has been classified as a Variant of Uncertain Significance.